The following is an entry in ClinVar:

NM_018192.4(P3H2):c.1013A>G (p.Asp338Gly)

Gene: P3H2 (prolyl 3-hydroxylase 2; minus strand). Cytogenetic location: 3q28.
Variant type: single nucleotide variant.
Coding change: c.1013A>G on transcript NM_018192.4 (MANE Select); coding-DNA position 1013, A replaced by G.
Protein change: p.Asp338Gly; replaces aspartic acid 338 with glycine.
Molecular consequence: missense variant.
Genome position (GRCh38, 1-based): chr3:189,987,612, T>C on the plus strand (A>G on the coding strand, the complement: P3H2 is on the minus strand). VCF-style: chr3-189987612-T-C. GRCh37 (hg19) VCF-style: chr3-189705401-T-C.
Other names: c.470A>G, p.Asp157Gly (NM_001134418.2); short protein forms D157G, D338G.
Identifiers: ClinVar variation 1446908 (VCV001446908.6), dbSNP rs762551000, ClinGen allele CA355757814.

ClinVar aggregate classification (germline): Uncertain significance (1 of 4 stars; one submission).

Submission:

Labcorp Genetics (formerly Invitae), Labcorp
Classification: Uncertain significance. Last evaluated: 2023-12-11. Review status: criteria provided, single submitter. Criteria: Invitae Variant Classification Sherloc (09022015). Collection method: clinical testing. Allele origin: germline.
Comment: This sequence change replaces aspartic acid, which is acidic and polar, with glycine, which is neutral and non-polar, at codon 338 of the P3H2 protein (p.Asp338Gly). This variant is not present in population databases (gnomAD no frequency). This variant has not been reported in the literature in individuals affected with P3H2-related conditions. ClinVar contains an entry for this variant (Variation ID: 1446908). Advanced modeling of protein sequence and biophysical properties (such as structural, functional, and spatial information, amino acid conservation, physicochemical variation, residue mobility, and thermodynamic stability) performed at Invitae indicates that this missense variant is not expected to disrupt P3H2 protein function with a negative predictive value of 80%. In summary, the available evidence is currently insufficient to determine the role of this variant in disease. Therefore, it has been classified as a Variant of Uncertain Significance.